The following is an entry in ClinVar:

ClinVar aggregate classification (germline): Uncertain significance (1 of 4 stars; one submission).

Submission:

Labcorp Genetics (formerly Invitae), Labcorp
Classification: Uncertain significance. Last evaluated: 2024-06-16. Review status: criteria provided, single submitter. Criteria: Invitae Variant Classification Sherloc (09022015). Collection method: clinical testing. Allele origin: germline.
Comment: This sequence change replaces proline, which is neutral and non-polar, with leucine, which is neutral and non-polar, at codon 313 of the CSF2RB protein (p.Pro313Leu). This variant is not present in population databases (gnomAD no frequency). This variant has not been reported in the literature in individuals affected with CSF2RB-related conditions. Advanced modeling of protein sequence and biophysical properties (such as structural, functional, and spatial information, amino acid conservation, physicochemical variation, residue mobility, and thermodynamic stability) performed at Invitae indicates that this missense variant is not expected to disrupt CSF2RB protein function with a negative predictive value of 80%. In summary, the available evidence is currently insufficient to determine the role of this variant in disease. Therefore, it has been classified as a Variant of Uncertain Significance.

NM_000395.3(CSF2RB):c.938C>T (p.Pro313Leu)

Gene: CSF2RB (colony stimulating factor 2 receptor subunit beta; plus strand). Cytogenetic location: 22q12.3.
Variant type: single nucleotide variant.
Coding change: c.938C>T on transcript NM_000395.3 (MANE Select); coding-DNA position 938, C replaced by T.
Protein change: p.Pro313Leu; replaces proline 313 with leucine.
Molecular consequence: missense variant.
Genome position (GRCh38, 1-based): chr22:36,930,756, C>T. VCF-style: chr22-36930756-C-T. GRCh37 (hg19) VCF-style: chr22-37326798-C-T.
Other names: c.956C>T, p.Pro319Leu (NM_001410827.1); short protein forms P313L, P319L.
Identifiers: ClinVar variation 3656188 (VCV003656188.2).